The following is an entry in ClinVar:

NM_024596.5(MCPH1):c.193A>G (p.Lys65Glu)

Gene: MCPH1 (microcephalin 1; plus strand). Cytogenetic location: 8p23.1.
Variant type: single nucleotide variant.
Coding change: c.193A>G on transcript NM_024596.5 (MANE Select); coding-DNA position 193, A replaced by G.
Protein change: p.Lys65Glu; replaces lysine 65 with glutamic acid.
Molecular consequence: missense variant. On other transcripts: non-coding transcript variant (1).
Genome position (GRCh38, 1-based): chr8:6,414,843, A>G. VCF-style: chr8-6414843-A-G. GRCh37 (hg19) VCF-style: chr8-6272364-A-G.
Other names: c.193A>G, p.Lys65Glu (NM_001172574.2, NM_001172575.2, NM_001322042.2 and 4 more transcripts); c.187A>G, p.Lys63Glu (NM_001322043.2); c.91A>G, p.Lys31Glu (NM_001322045.2); c.193A>G (NM_024596.3); short protein forms K65E, K63E, K31E.
Identifiers: ClinVar variation 2072836 (VCV002072836.2), dbSNP rs752430365, ClinGen allele CA4610102.

ClinVar aggregate classification (germline): Uncertain significance. Review status: criteria provided, multiple submitters, no conflicts (2 of 4 stars). 2 submissions from 2 submitters: Uncertain significance (2). Last evaluated 2025-03-01.

Conditions:
Inborn genetic diseases. Identifiers: MedGen C0950123, MeSH D030342.

Allele frequency attached by ClinVar (database versions not stated): ExAC 0.00001; gnomAD exomes 0.00001; gnomAD 0.00003; TOPMed 0.00003.
gnomAD v4.1: 24 of 1,613,808 alleles (0.0015%); highest among the groups gnomAD compares: Non-Finnish European, 0.0018%; no homozygotes.

Submissions (2):

Ambry Genetics
Classification: Uncertain significance for Inborn genetic diseases. Last evaluated: 2025-03-01. Review status: criteria provided, single submitter. Criteria: Ambry Variant Classification Scheme 2023. Collection method: clinical testing. Allele origin: germline.

Labcorp Genetics (formerly Invitae), Labcorp
Classification: Uncertain significance. Last evaluated: 2022-04-25. Review status: criteria provided, single submitter. Criteria: Invitae Variant Classification Sherloc (09022015). Collection method: clinical testing. Allele origin: germline.
Comment: This sequence change replaces lysine, which is basic and polar, with glutamic acid, which is acidic and polar, at codon 65 of the MCPH1 protein (p.Lys65Glu). This variant is present in population databases (rs752430365, gnomAD 0.004%). This variant has not been reported in the literature in individuals affected with MCPH1-related conditions. Algorithms developed to predict the effect of missense changes on protein structure and function output the following: SIFT: "Not Available"; PolyPhen-2: "Benign"; Align-GVGD: "Not Available". The glutamic acid amino acid residue is found in multiple mammalian species, which suggests that this missense change does not adversely affect protein function. In summary, the available evidence is currently insufficient to determine the role of this variant in disease. Therefore, it has been classified as a Variant of Uncertain Significance.